The following is an entry in ClinVar:

ClinVar aggregate classification (germline): Uncertain significance (1 of 4 stars; one submission).

Allele frequency attached by ClinVar (database versions not stated): gnomAD exomes below 0.00001; TOPMed 0.00001.
gnomAD v4.1: 1 of 1,599,442 alleles (0.000063%); highest among the groups gnomAD compares: African/African-American, 0.0014%; no homozygotes.

Submission:

Labcorp Genetics (formerly Invitae), Labcorp
Classification: Uncertain significance. Last evaluated: 2024-09-09. Review status: criteria provided, single submitter. Criteria: Invitae Variant Classification Sherloc (09022015). Collection method: clinical testing. Allele origin: germline.
Comment: This sequence change replaces alanine, which is neutral and non-polar, with threonine, which is neutral and polar, at codon 680 of the MYLK3 protein (p.Ala680Thr). This variant is not present in population databases (gnomAD no frequency). This variant has not been reported in the literature in individuals affected with MYLK3-related conditions. ClinVar contains an entry for this variant (Variation ID: 1510400). An algorithm developed to predict the effect of missense changes on protein structure and function (PolyPhen-2) suggests that this variant is likely to be disruptive. In summary, the available evidence is currently insufficient to determine the role of this variant in disease. Therefore, it has been classified as a Variant of Uncertain Significance.

NM_182493.3(MYLK3):c.2038G>A (p.Ala680Thr)

Gene: MYLK3 (myosin light chain kinase 3; minus strand). Cytogenetic location: 16q11.2.
Variant type: single nucleotide variant.
Coding change: c.2038G>A on transcript NM_182493.3 (MANE Select); coding-DNA position 2038, G replaced by A.
Protein change: p.Ala680Thr; replaces alanine 680 with threonine.
Molecular consequence: missense variant.
Genome position (GRCh38, 1-based): chr16:46,712,724, C>T on the plus strand (G>A on the coding strand, the complement: MYLK3 is on the minus strand). VCF-style: chr16-46712724-C-T. GRCh37 (hg19) VCF-style: chr16-46746636-C-T.
Other names: c.1015G>A, p.Ala339Thr (NM_001308301.1); short protein forms A680T, A339T.
Identifiers: ClinVar variation 1510400 (VCV001510400.6), dbSNP rs1405829284, ClinGen allele CA395787904.